The following is an entry in ClinVar:

ClinVar aggregate classification (germline): Uncertain significance (1 of 4 stars; one submission).

Allele frequency attached by ClinVar (database versions not stated): gnomAD exomes below 0.00001; TOPMed below 0.00001.
gnomAD v4.1: 2 of 1,614,034 alleles (0.00012%); highest among the groups gnomAD compares: Non-Finnish European, 0.00017%; no homozygotes.

Submission:

Ambry Genetics
Classification: Uncertain significance. Last evaluated: 2024-01-07. Review status: criteria provided, single submitter. Criteria: Ambry Variant Classification Scheme 2023. Collection method: clinical testing. Allele origin: germline.
Comment: The p.I245L variant (also known as c.733A>C), located in coding exon 5 of the BUB3 gene, results from an A to C substitution at nucleotide position 733. The isoleucine at codon 245 is replaced by leucine, an amino acid with highly similar properties. This amino acid position is conserved. In addition, this alteration is predicted to be tolerated by in silico analysis. Since supporting evidence is limited at this time, the clinical significance of this alteration remains unclear.

NM_004725.4(BUB3):c.733A>C (p.Ile245Leu)

Gene: BUB3 (BUB3 mitotic checkpoint protein; plus strand). Cytogenetic location: 10q26.13.
Variant type: single nucleotide variant.
Coding change: c.733A>C on transcript NM_004725.4 (MANE Select); coding-DNA position 733, A replaced by C.
Protein change: p.Ile245Leu; replaces isoleucine 245 with leucine.
Molecular consequence: missense variant.
Genome position (GRCh38, 1-based): chr10:123,162,392, A>C. VCF-style: chr10-123162392-A-C. GRCh37 (hg19) VCF-style: chr10-124921908-A-C.
Other names: c.733A>C, p.Ile245Leu (NM_001007793.3); short protein forms I245L.
Identifiers: ClinVar variation 1758397 (VCV001758397.2), dbSNP rs1184281445, ClinGen allele CA378626779.